The following is an entry in ClinVar:

ClinVar aggregate classification (germline): Conflicting classifications of pathogenicity. Review status: criteria provided, conflicting classifications (1 of 4 stars). 4 submissions from 4 submitters: Uncertain significance (2); Benign (1); Likely benign (1). Last evaluated 2026-01-04.

Conditions:
Inborn genetic diseases. Identifiers: MedGen C0950123, MeSH D030342.

Allele frequency attached by ClinVar (database versions not stated): gnomAD exomes 0.00052; ExAC 0.00108; ESP Exome Variant Server 0.00263; gnomAD 0.00263 and 0.00280; TOPMed 0.00302; 1000 Genomes Project 0.00459; 1000 Genomes Project 30x 0.00515.
gnomAD v4.1: 824 of 1,534,316 alleles (0.054%); highest among the groups gnomAD compares: African/African-American, 0.9%; 3 homozygotes.

Submissions (4):

Labcorp Genetics (formerly Invitae), Labcorp
Classification: Benign. Last evaluated: 2026-01-04. Review status: criteria provided, single submitter. Criteria: Invitae Variant Classification Sherloc (09022015). Collection method: clinical testing. Allele origin: germline.

Ambry Genetics
Classification: Uncertain significance for Inborn genetic diseases. Last evaluated: 2025-09-11. Review status: criteria provided, single submitter. Criteria: Ambry Variant Classification Scheme 2023. Collection method: clinical testing. Allele origin: germline.

Blueprint Genetics
Classification: Likely benign. Last evaluated: 2024-06-28. Review status: criteria provided, single submitter. Criteria: ACMG Guidelines, 2015. Collection method: clinical testing. Allele origin: germline.

GeneDx
Classification: Uncertain significance. Last evaluated: 2023-06-21. Review status: criteria provided, single submitter. Criteria: GeneDx Variant Classification Process June 2021. Collection method: clinical testing. Allele origin: germline. Affected: yes.
Comment: In silico analysis supports that this missense variant has a deleterious effect on protein structure/function; Has not been previously published as pathogenic or benign to our knowledge

NM_001378183.1(PIEZO2):c.4958G>A (p.Arg1653Gln)

Gene: PIEZO2 (piezo type mechanosensitive ion channel component 2; minus strand). Cytogenetic location: 18p11.22.
Variant type: single nucleotide variant.
Coding change: c.4958G>A on transcript NM_001378183.1 (MANE Select); coding-DNA position 4958, G replaced by A.
Protein change: p.Arg1653Gln; replaces arginine 1653 with glutamine.
Molecular consequence: missense variant.
Genome position (GRCh38, 1-based): chr18:10,731,478, C>T on the plus strand (G>A on the coding strand, the complement: PIEZO2 is on the minus strand). VCF-style: chr18-10731478-C-T. GRCh37 (hg19) VCF-style: chr18-10731476-C-T.
Other names: c.4784G>A, p.Arg1595Gln (NM_022068.4); short protein forms R1595Q, R1653Q.
Identifiers: ClinVar variation 746951 (VCV000746951.14), dbSNP rs190938950, ClinGen allele CA8892385.
Genomic context (GRCh38, chr18:10,731,478, plus strand): 5'-CCTTTCCGCCTTCGTTTCCGTTCTTCTCTTGCAGACCTTTTTTTCTCTTTGTGTCTTTGT[C>T]GGAGTGCTGTTTTAGGATCAGTAATCCAGGCTTGATAAACAAACTGAAGGGAGAAAGTTC-3'
Protein context (NP_001365112.1, residues 1643-1663): AWITDPKTAL[Arg1653Gln]QRHKEKKRSA